The following is an entry in ClinVar:

ClinVar aggregate classification (germline): Uncertain significance (0 of 4 stars; one submission).

Conditions:
Prostate cancer. Also called: Malignant tumor of prostate. Identifiers: Orphanet 1331, MedGen C0376358, MONDO:0008315, HP:0012125.

Submission:

Science for Life laboratory,  Karolinska Institutet
Classification: Uncertain significance for Malignant tumor of prostate. Review status: no assertion criteria provided. Collection method: not provided. Allele origin: somatic.
Comment: TumorID:SWE-19
ClinVar note: Converted during submission from Unknown to Uncertain significance.

NM_003235.5(TG):c.3886T>A (p.Phe1296Ile)

Gene: TG (thyroglobulin; plus strand). Cytogenetic location: 8q24.22.
Variant type: single nucleotide variant.
Coding change: c.3886T>A on transcript NM_003235.5 (MANE Select); coding-DNA position 3886, T replaced by A.
Protein change: p.Phe1296Ile; replaces phenylalanine 1296 with isoleucine.
Molecular consequence: missense variant.
Genome position (GRCh38, 1-based): chr8:132,908,224, T>A. VCF-style: chr8-132908224-T-A. GRCh37 (hg19) VCF-style: chr8-133920469-T-A.
Other names: short protein forms F1296I.
Identifiers: ClinVar variation 161608 (VCV000161608.2), dbSNP rs193920926, ClinGen allele CA174439.